The following is an entry in ClinVar:

NM_006766.5(KAT6A):c.3456G>A (p.Trp1152Ter)

Gene: KAT6A (lysine acetyltransferase 6A; minus strand). Cytogenetic location: 8p11.21.
Variant type: single nucleotide variant.
Coding change: c.3456G>A on transcript NM_006766.5 (MANE Select); coding-DNA position 3456, G replaced by A.
Protein change: p.Trp1152Ter; replaces tryptophan 1152 with a stop codon.
Molecular consequence: nonsense.
Genome position (GRCh38, 1-based): chr8:41,934,764, C>T on the plus strand (G>A on the coding strand, the complement: KAT6A is on the minus strand). VCF-style: chr8-41934764-C-T. GRCh37 (hg19) VCF-style: chr8-41792282-C-T.
Other names: short protein forms W1152*.
Identifiers: ClinVar variation 4856094 (VCV004856094.1).

ClinVar aggregate classification (germline): Likely pathogenic (1 of 4 stars; one submission).

Conditions:
Autosomal dominant intellectual disability-craniofacial anomalies-cardiac defects syndrome (ARTHS). Also called: Mental retardation, autosomal dominant 32; Arboleda-Tham syndrome; KAT6A syndrome. Identifiers: Orphanet 457193, MedGen C4225396, MONDO:0014558, OMIM 616268.

Submission:

3billion
Classification: Likely pathogenic for Autosomal dominant intellectual disability-craniofacial anomalies-cardiac defects syndrome. Last evaluated: 2025-08-22. Review status: criteria provided, single submitter. Criteria: ACMG Guidelines, 2015. Collection method: clinical testing. Allele origin: germline. Affected: yes.
Comment: The variant is not observed in the gnomAD v4.1.0 dataset. Predicted Consequence/Location: Stop-gained (nonsense): predicted to result in a loss or disruption of normal protein function through protein truncation. The predicted truncated protein may be shortened by more than 10%. The variant has been reported to be associated with KAT6A-related disorder (PMID: 32477112). Therefore, this variant is classified as Likely pathogenic according to the recommendation of ACMG/AMP guideline.

Literature cited by the submitters: PubMed 32477112.